The following is an entry in ClinVar:

NM_183050.4(BCKDHB):c.722_731dup (p.Tyr244Ter)

Gene: BCKDHB (branched chain keto acid dehydrogenase E1 subunit beta; plus strand). Cytogenetic location: 6q14.1.
Variant type: Duplication.
Coding change: c.722_731dup on transcript NM_183050.4 (MANE Select); coding-DNA positions 722 to 731, 10 bases duplicated (AAATACTTTA; older notation c.722_731dupAAATACTTTA).
Protein change: p.Tyr244Ter; replaces tyrosine 244 with a stop codon.
Molecular consequence: nonsense. On other transcripts: non-coding transcript variant (1).
Genome position (GRCh38, 1-based): chr6:80,171,370-80,171,379, AAATACTTTA duplicated; duplicating any 10 consecutive bases within chr6:80,171,368-80,171,379 gives the same sequence; the c. name uses the placement nearest the transcript's 3' end. VCF-style (leftmost placement, unchanged base first): chr6-80171367-C-CTAAAATACTT. GRCh37 (hg19) VCF-style: chr6-80881084-C-CTAAAATACTT.
Other names: c.722_731dup, p.Tyr244Ter (NM_000056.5); c.512_521dup, p.Tyr174Ter (NM_001318975.1); short protein forms Y244*, Y174*.
Identifiers: ClinVar variation 1997732 (VCV001997732.4), dbSNP rs2481921012, ClinGen allele CA2580075918.

ClinVar aggregate classification (germline): Pathogenic (1 of 4 stars; one submission).

Conditions:
Maple syrup urine disease (MSUD). Identifiers: Orphanet 511, MedGen C0024776, MeSH D008375, MONDO:0009563. Disease mechanism: loss of function.

Submission:

Labcorp Genetics (formerly Invitae), Labcorp
Classification: Pathogenic for Maple syrup urine disease. Last evaluated: 2022-05-21. Review status: criteria provided, single submitter. Criteria: Invitae Variant Classification Sherloc (09022015). Collection method: clinical testing. Allele origin: germline.
Comment: This sequence change creates a premature translational stop signal (p.Tyr244*) in the BCKDHB gene. It is expected to result in an absent or disrupted protein product. Loss-of-function variants in BCKDHB are known to be pathogenic (PMID: 16786533, 22593002). For these reasons, this variant has been classified as Pathogenic. This variant has not been reported in the literature in individuals affected with BCKDHB-related conditions. This variant is not present in population databases (gnomAD no frequency).

Literature cited by the submitters: PubMed 16786533; PubMed 22593002.